The following is an entry in ClinVar:

ClinVar aggregate classification (germline): Pathogenic (1 of 4 stars; one submission).

Submission:

CeGaT Center for Human Genetics Tuebingen
Classification: Pathogenic. Last evaluated: 2023-09-01. Review status: criteria provided, single submitter. Criteria: CeGaT Center For Human Genetics Tuebingen Variant Classification Criteria Version 2. Collection method: clinical testing. Allele origin: germline. Affected: yes. Observed: 1 variant allele.
Comment: MYRF: PVS1, PM2

NM_001127392.3(MYRF):c.871C>T (p.Arg291Ter)

Gene: MYRF (myelin regulatory factor; plus strand). Cytogenetic location: 11q12.2.
Variant type: single nucleotide variant.
Coding change: c.871C>T on transcript NM_001127392.3 (MANE Select); coding-DNA position 871, C replaced by T.
Protein change: p.Arg291Ter; replaces arginine 291 with a stop codon.
Molecular consequence: nonsense.
Genome position (GRCh38, 1-based): chr11:61,771,630, C>T. VCF-style: chr11-61771630-C-T. GRCh37 (hg19) VCF-style: chr11-61539102-C-T.
Other names: c.844C>T, p.Arg282Ter (NM_013279.4); short protein forms R282*, R291*.
Identifiers: ClinVar variation 2582895 (VCV002582895.25), dbSNP rs202068755, ClinGen allele CA380848994.